The following is an entry in ClinVar:

ClinVar aggregate classification (germline): Uncertain significance (1 of 4 stars; one submission).

Submission:

Ambry Genetics
Classification: Uncertain significance. Last evaluated: 2025-07-28. Review status: criteria provided, single submitter. Criteria: Ambry Variant Classification Scheme 2023. Collection method: clinical testing. Allele origin: germline.
Comment: The p.G25R variant (also known as c.73G>A), located in coding exon 1 of the EGLN1 gene, results from a G to A substitution at nucleotide position 73. The glycine at codon 25 is replaced by arginine, an amino acid with dissimilar properties. This amino acid position is conserved. In addition, the in silico prediction for this alteration is inconclusive. Since supporting evidence is limited at this time, the clinical significance of this alteration remains unclear.

NM_022051.3(EGLN1):c.73G>A (p.Gly25Arg)

Gene: EGLN1 (egl-9 family hypoxia inducible factor 1; minus strand). Cytogenetic location: 1q42.2.
Variant type: single nucleotide variant.
Coding change: c.73G>A on transcript NM_022051.3 (MANE Select); coding-DNA position 73, G replaced by A.
Protein change: p.Gly25Arg; replaces glycine 25 with arginine.
Molecular consequence: missense variant.
Genome position (GRCh38, 1-based): chr1:231,421,816, C>T on the plus strand (G>A on the coding strand, the complement: EGLN1 is on the minus strand). VCF-style: chr1-231421816-C-T. GRCh37 (hg19) VCF-style: chr1-231557562-C-T.
Other names: c.73G>A, p.Gly25Arg (NM_001377260.1, NM_001377261.1); short protein forms G25R.
Identifiers: ClinVar variation 1758726 (VCV001758726.3), dbSNP rs2527362155, ClinGen allele CA345239185.